The following is an entry in ClinVar:

ClinVar aggregate classification (germline): Uncertain significance (1 of 4 stars; one submission).

Conditions:
Inborn genetic diseases. Identifiers: MedGen C0950123, MeSH D030342.

Allele frequency attached by ClinVar (database versions not stated): gnomAD exomes below 0.00001; TOPMed below 0.00001; ExAC 0.00001.

Submission:

Ambry Genetics
Classification: Uncertain significance for Inborn genetic diseases. Last evaluated: 2024-01-27. Review status: criteria provided, single submitter. Criteria: Ambry Variant Classification Scheme 2023. Collection method: clinical testing. Allele origin: germline.
Comment: The p.K393E variant (also known as c.1177A>G), located in coding exon 9 of the BUB1B gene, results from an A to G substitution at nucleotide position 1177. The lysine at codon 393 is replaced by glutamic acid, an amino acid with similar properties. This amino acid position is conserved. In addition, this alteration is predicted to be tolerated by in silico analysis. Based on the available evidence, the clinical significance of this alteration remains unclear.

NM_001211.6(BUB1B):c.1177A>G (p.Lys393Glu)

Gene: BUB1B (BUB1 mitotic checkpoint serine/threonine kinase B; plus strand). Cytogenetic location: 15q15.1.
Variant type: single nucleotide variant.
Coding change: c.1177A>G on transcript NM_001211.6 (MANE Select); coding-DNA position 1177, A replaced by G.
Protein change: p.Lys393Glu; replaces lysine 393 with glutamic acid.
Molecular consequence: missense variant.
Genome position (GRCh38, 1-based): chr15:40,196,663, A>G. VCF-style: chr15-40196663-A-G. GRCh37 (hg19) VCF-style: chr15-40488864-A-G.
Other names: short protein forms K393E.
Identifiers: ClinVar variation 3221332 (VCV003221332.1), dbSNP rs753706175, ClinGen allele CA7475673.